The following is an entry in ClinVar:

ClinVar aggregate classification (germline): Likely benign. Review status: criteria provided, multiple submitters, no conflicts (2 of 4 stars). 6 submissions from 6 submitters: Likely benign (6). Last evaluated 2025-12-22.

Conditions:
Long QT syndrome (LQTS). Identifiers: MedGen C0023976, MeSH D008133, MONDO:0002442. Disease mechanism: loss of function. Inheritance: Various modes of inheritance.
Cardiovascular phenotype. Identifiers: MedGen CN230736.
Cardiac arrhythmia. Also called: Cardiac rhythm disease; Arrhythmia. Identifiers: MedGen C0003811, MONDO:0007263, HP:0011675.

Allele frequency attached by ClinVar (database versions not stated): gnomAD 0.00002; gnomAD exomes 0.00002; TOPMed 0.00003.
gnomAD v4.1: 83 of 1,611,184 alleles (0.0052%); highest among the groups gnomAD compares: Non-Finnish European, 0.007%; no homozygotes.

Submissions (6):

Labcorp Genetics (formerly Invitae), Labcorp
Classification: Likely benign for Long QT syndrome. Last evaluated: 2025-12-22. Review status: criteria provided, single submitter. Criteria: Invitae Variant Classification Sherloc (09022015). Collection method: clinical testing. Allele origin: germline.

Women's Health and Genetics/Laboratory Corporation of America, LabCorp
Classification: Likely benign. Last evaluated: 2025-12-11. Review status: criteria provided, single submitter. Criteria: LabCorp Variant Classification Summary - May 2015. Collection method: clinical testing. Allele origin: germline.

All of Us Research Program, National Institutes of Health
Classification: Likely benign for Long QT syndrome. Last evaluated: 2024-01-12. Review status: criteria provided, single submitter. Criteria: ACMG Guidelines, 2015. Collection method: clinical testing. Allele origin: germline. Inheritance: Autosomal dominant inheritance. Observed: 8 variant alleles, 8 heterozygotes.
Comment: This study involves interpretation of variants in research participants for the purpose of population health screening. Participant phenotype was not available at the time of variant classification. Additional details can be found in publication PMID: 35346344, PMCID: PMC8962531

Blueprint Genetics
Classification: Likely benign. Last evaluated: 2022-09-07. Review status: criteria provided, single submitter. Criteria: ACMG Guidelines, 2015. Collection method: clinical testing. Allele origin: germline.

Ambry Genetics
Classification: Likely benign for Cardiovascular phenotype. Last evaluated: 2022-05-20. Review status: criteria provided, single submitter. Criteria: Ambry Variant Classification Scheme 2023. Collection method: clinical testing. Allele origin: germline.

Color Diagnostics, LLC DBA Color Health
Classification: Likely benign for Arrhythmia. Last evaluated: 2018-11-30. Review status: criteria provided, single submitter. Criteria: ACMG Guidelines, 2015. Collection method: clinical testing. Allele origin: germline.

NM_000238.4(KCNH2):c.120C>T (p.Ala40=)

Gene: KCNH2 (potassium voltage-gated channel subfamily H member 2; minus strand). Cytogenetic location: 7q36.1.
Variant type: single nucleotide variant.
Coding change: c.120C>T on transcript NM_000238.4 (MANE Select); coding-DNA position 120, C replaced by T.
Protein change: p.Ala40=; no amino-acid change (alanine 40 retained).
Molecular consequence: synonymous variant. On other transcripts: 5 prime UTR variant (1), non-coding transcript variant (1).
Genome position (GRCh38, 1-based): chr7:150,974,898, G>A on the plus strand (C>T on the coding strand, the complement: KCNH2 is on the minus strand). VCF-style: chr7-150974898-G-A. GRCh37 (hg19) VCF-style: chr7-150671986-G-A.
Other names: c.-58C>T (NM_001406755.1); c.120C>T, p.Ala40= (NM_172056.3).
Identifiers: ClinVar variation 704202 (VCV000704202.58), dbSNP rs146715185, ClinGen allele CA169090444.
Genomic context (GRCh38, chr7:150,974,898, plus strand): 5'-CATCACCTCGGCCCGCGAGTAGCCGCACAGCTCGCAGAAGCCGTCGTTGCAGTAGATGAC[G>A]GCGCAGTTCTCCACCCGAGCGTTGGCGATGATGAACTTACGGCCTAGGGGGGCGGGGAGG-3'
Protein context (NP_000229.1, residues 30-50): IIANARVENC[Ala40=]VIYCNDGFCE